The following is an entry in ClinVar:

NM_197968.4(ZMYM2):c.3131del (p.Lys1044fs)

Gene: ZMYM2 (zinc finger MYM-type containing 2; plus strand). Cytogenetic location: 13q12.11.
Variant type: Deletion.
Coding change: c.3131del on transcript NM_197968.4 (MANE Select); coding-DNA position 3131, one base deleted (A; older notation c.3131delA).
Protein change: p.Lys1044fs; shifts the reading frame from lysine 1044.
Molecular consequence: frameshift variant. On other transcripts: non-coding transcript variant (1).
Genome position (GRCh38, 1-based): chr13:20,064,544, A deleted; the last of 8 consecutive A bases (chr13:20,064,537-20,064,544); deleting any one gives the same sequence. VCF-style (leftmost placement, unchanged base first): chr13-20064536-TA-T. GRCh37 (hg19) VCF-style: chr13-20638676-TA-T.
Other names: c.3131del, p.Lys1044fs (NM_001190964.4, NM_001190965.4, NM_001353157.2 and 5 more transcripts); c.2936del, p.Lys979fs (NM_001353161.3); c.2870del, p.Lys957fs (NM_001353163.2); short protein forms K1044fs, K957fs, K979fs.
Identifiers: ClinVar variation 1803489 (VCV001803489.2), dbSNP rs753611080, ClinGen allele CA6903770.
Genomic context (GRCh38, chr13:20,064,536, plus strand): 5'-TGAATTTTTATTACCACCTGTTTTTGGCGAAGAATATGAGGAACAGCCCAGACCTCGATC[TA>T]AAAAAAAGGTACATTCACTTAATAGCCTATATAACAATATTTCTCTATAGGCAAACAAGG-3'

ClinVar aggregate classification (germline): Likely pathogenic (1 of 4 stars; one submission).

Submission:

GeneDx
Classification: Likely pathogenic. Last evaluated: 2026-02-12. Review status: criteria provided, single submitter. Criteria: GeneDx Variant Classification Process June 2021. Collection method: clinical testing. Allele origin: germline.
Comment: Frameshift variant predicted to result in protein truncation or nonsense mediated decay in a gene for which loss-of-function is a known mechanism of disease; This variant is associated with the following publications: (PMID: 33004838)